The following is an entry in ClinVar:

NC_000003.11:g.(?_42727101)_(42733495_?)dup

Gene: KLHL40 (kelch like family member 40; plus strand). Cytogenetic location: 3p22.1.
Variant type: Duplication.
Identifiers: ClinVar variation 1038059 (VCV001038059.1).

ClinVar aggregate classification (germline): Uncertain significance (1 of 4 stars; one submission).

Conditions:
Nemaline myopathy 8 (NEM8). Also called: Nemaline myopathy 8, autosomal recessive. Identifiers: Orphanet 171430, MedGen C3809209, MONDO:0014138, OMIM 615348.

Submission:

Labcorp Genetics (formerly Invitae), Labcorp
Classification: Uncertain significance for Nemaline myopathy 8. Last evaluated: 2020-02-06. Review status: criteria provided, single submitter. Criteria: Invitae Variant Classification Sherloc (09022015). Collection method: clinical testing. Allele origin: germline.
Comment: This variant results in a copy number gain of the genomic region encompassing the full coding sequence of the KLHL40 gene. The boundaries of this event are unknown as they extend beyond the assayed region for this gene and therefore may encompass additional genes. As the precise location of this event is unknown, it may be in tandem or it may be located elsewhere in the genome. This variant has not been reported in the literature in individuals with KLHL40-related conditions. In summary, the available evidence is currently insufficient to determine the role of this variant in disease. Therefore, it has been classified as a Variant of Uncertain Significance.